The following is an entry in ClinVar:

ClinVar aggregate classification (germline): Benign (1 of 4 stars; one submission).

Allele frequency attached by ClinVar (database versions not stated): 1000 Genomes Project 30x 0.07558; 1000 Genomes Project 0.07648; gnomAD 0.08703 and 0.08766; TOPMed 0.09003.

Submission:

GeneDx
Classification: Benign. Last evaluated: 2018-06-16. Review status: criteria provided, single submitter. Criteria: GeneDx Variant Classification (06012015). Collection method: clinical testing. Allele origin: germline. Affected: yes.
Comment: This variant is considered likely benign or benign based on one or more of the following criteria: it is a conservative change, it occurs at a poorly conserved position in the protein, it is predicted to be benign by multiple in silico algorithms, and/or has population frequency not consistent with disease.

NM_006031.6(PCNT):c.1937-161G>A

Gene: PCNT (pericentrin; plus strand). Cytogenetic location: 21q22.3.
Variant type: single nucleotide variant.
Coding change: c.1937-161G>A on transcript NM_006031.6 (MANE Select); 161 bases into the intron before coding-DNA position 1937, G replaced by A.
Molecular consequence: intron variant.
Genome position (GRCh38, 1-based): chr21:46,356,813, G>A. VCF-style: chr21-46356813-G-A. GRCh37 (hg19) VCF-style: chr21-47776728-G-A.
Other names: c.1583-161G>A (NM_001315529.2).
Identifiers: ClinVar variation 670462 (VCV000670462.1), dbSNP rs11700399, ClinGen allele CA14865556.